The following is an entry in ClinVar:

ClinVar aggregate classification (germline): Uncertain significance. Review status: criteria provided, multiple submitters, no conflicts (2 of 4 stars). 2 submissions from 2 submitters: Uncertain significance (2). Last evaluated 2025-10-03.

Conditions:
Hereditary cancer-predisposing syndrome. Also called: Hereditary Cancer Syndrome; Tumor predisposition; Neoplastic Syndromes, Hereditary; Hereditary neoplastic syndrome. Identifiers: Orphanet 140162, MedGen C0027672, MeSH D009386, MONDO:0015356.
Gastrointestinal stromal tumor. Also called: Gastrointestinal stromal tumor, somatic; Gastrointestinal stroma tumor. Identifiers: Orphanet 44890, MedGen C0238198, MeSH D046152, MONDO:0011719, OMIM 606764, HP:0100723.

Allele frequency attached by ClinVar (database versions not stated): gnomAD exomes below 0.00001.
gnomAD v4.1: 2 of 1,586,288 alleles (0.00013%); highest among the groups gnomAD compares: Non-Finnish European, 0.00017%; no homozygotes.

Submissions (2):

Ambry Genetics
Classification: Uncertain significance for Hereditary cancer-predisposing syndrome. Last evaluated: 2025-10-03. Review status: criteria provided, single submitter. Criteria: Ambry Variant Classification Scheme 2023. Collection method: clinical testing. Allele origin: germline.
Comment: The c.2802+3G>A intronic variant results from a G to A substitution 3 nucleotides after coding exon 20 in the KIT gene. This nucleotide position is not well conserved in available vertebrate species. In silico splice site analysis predicts that this alteration will not have any significant effect on splicing. Based on the available evidence, the clinical significance of this variant remains unclear.

Labcorp Genetics (formerly Invitae), Labcorp
Classification: Uncertain significance for Gastrointestinal stromal tumor. Last evaluated: 2023-09-30. Review status: criteria provided, single submitter. Criteria: Invitae Variant Classification Sherloc (09022015). Collection method: clinical testing. Allele origin: germline.
Comment: In summary, the available evidence is currently insufficient to determine the role of this variant in disease. Therefore, it has been classified as a Variant of Uncertain Significance. Variants that disrupt the consensus splice site are a relatively common cause of aberrant splicing (PMID: 17576681, 9536098). Algorithms developed to predict the effect of sequence changes on RNA splicing suggest that this variant is not likely to affect RNA splicing. ClinVar contains an entry for this variant (Variation ID: 582377). This variant has not been reported in the literature in individuals affected with KIT-related conditions. This variant is not present in population databases (gnomAD no frequency). This sequence change falls in intron 20 of the KIT gene. It does not directly change the encoded amino acid sequence of the KIT protein. It affects a nucleotide within the consensus splice site.

Literature cited by the submitters: PubMed 17576681 (cited by Labcorp Genetics (formerly Invitae), Labcorp); PubMed 9536098 (cited by Labcorp Genetics (formerly Invitae), Labcorp).

NM_000222.3(KIT):c.2802+3G>A

Gene: KIT (KIT proto-oncogene, receptor tyrosine kinase; plus strand). Cytogenetic location: 4q12.
Variant type: single nucleotide variant.
Coding change: c.2802+3G>A on transcript NM_000222.3 (MANE Select); 3 bases into the intron after coding-DNA position 2802, G replaced by A.
Molecular consequence: intron variant.
Genome position (GRCh38, 1-based): chr4:54,737,283, G>A. VCF-style: chr4-54737283-G-A. GRCh37 (hg19) VCF-style: chr4-55603449-G-A.
Other names: c.2805+3G>A (NM_001385284.1); c.2802+3G>A (NM_001385290.1); c.2793+3G>A (NM_001385288.1); c.2790+3G>A (NM_001385292.1, NM_001093772.2); c.2799+3G>A (NM_001385285.1); c.2787+3G>A (NM_001385286.1).
Identifiers: ClinVar variation 582377 (VCV000582377.7), dbSNP rs1560425519, ClinGen allele CA891842572.